The following is an entry in ClinVar:

ClinVar aggregate classification (germline): Uncertain significance. Review status: criteria provided, multiple submitters, no conflicts (2 of 4 stars). 3 submissions from 3 submitters: Uncertain significance (3). Last evaluated 2025-09-24.

Conditions:
Deficiency of butyryl-CoA dehydrogenase (ACADSD). Also called: SCAD Deficiency; ACADS DEFICIENCY; SCADH DEFICIENCY; SCAD DEFICIENCY, MILD; Short-Chain Acyl-CoA Dehydrogenase Deficiency; ACYL-CoA DEHYDROGENASE, SHORT-CHAIN, DEFICIENCY OF. Identifiers: Orphanet 26792, MedGen C0342783, MONDO:0008722, OMIM 201470. Disease mechanism: May be benign.

Submissions (3):

Women's Health and Genetics/Laboratory Corporation of America, LabCorp
Classification: Uncertain significance. Last evaluated: 2025-09-24. Review status: criteria provided, single submitter. Criteria: LabCorp Variant Classification Summary - May 2015. Collection method: clinical testing. Allele origin: germline.
Comment: Variant summary: ACADS c.654_655delinsCT (p.Thr219Ser) results in a conservative amino acid change in the encoded protein sequence. Algorithms developed to predict the effect of missense changes on protein structure and function are either unavailable or do not agree on the potential impact of this missense change. The variant was absent in 282786 control chromosomes. The available data on variant occurrences in the general population are insufficient to allow any conclusion about variant significance. To our knowledge, no occurrence of c.654_655delinsCT in individuals affected with ACADS-related conditions and no experimental evidence demonstrating its impact on protein function have been reported. ClinVar contains an entry for this variant (Variation ID: 844442). Based on the evidence outlined above, the variant was classified as uncertain significance.

Mayo Clinic Laboratories, Mayo Clinic
Classification: Uncertain significance. Last evaluated: 2025-03-31. Review status: criteria provided, single submitter. Criteria: ACMG Guidelines, 2015. Collection method: clinical testing. Allele origin: germline. Observed: 1 variant allele.
Comment: BS1

Labcorp Genetics (formerly Invitae), Labcorp
Classification: Uncertain significance for Deficiency of butyryl-CoA dehydrogenase. Last evaluated: 2023-12-06. Review status: criteria provided, single submitter. Criteria: Invitae Variant Classification Sherloc (09022015). Collection method: clinical testing. Allele origin: germline.
Comment: This sequence change replaces threonine, which is neutral and polar, with serine, which is neutral and polar, at codon 219 of the ACADS protein (p.Thr219Ser). Information on the frequency of this variant in the gnomAD database is not available, as this variant may be reported differently in the database. This variant has not been reported in the literature in individuals affected with ACADS-related conditions. ClinVar contains an entry for this variant (Variation ID: 844442). Experimental studies and prediction algorithms are not available or were not evaluated, and the functional significance of this variant is currently unknown. In summary, the available evidence is currently insufficient to determine the role of this variant in disease. Therefore, it has been classified as a Variant of Uncertain Significance.

NM_000017.4(ACADS):c.654_655delinsCT (p.Thr219Ser)

Gene: ACADS (acyl-CoA dehydrogenase short chain; plus strand). Cytogenetic location: 12q24.31.
Variant type: Indel.
Coding change: c.654_655delinsCT on transcript NM_000017.4 (MANE Select); coding-DNA positions 654 to 655, AA replaced by CT.
Protein change: p.Thr219Ser; replaces threonine 219 with serine.
Molecular consequence: missense variant.
Genome position (GRCh38, 1-based): chr12:120,738,309-120,738,310, AA replaced by CT. VCF-style: chr12-120738309-AA-CT. GRCh37 (hg19) VCF-style: chr12-121176112-AA-CT.
Other names: p.Thr219Ser; c.642_643delinsCT, p.Thr215Ser (NM_001302554.2); short protein forms T215S, T219S.
Identifiers: ClinVar variation 844442 (VCV000844442.9), dbSNP rs1883526461, ClinGen allele CA916083338.